The following is an entry in ClinVar:

NM_023110.3(FGFR1):c.2036del (p.His679fs)

Gene: FGFR1 (fibroblast growth factor receptor 1; minus strand). Cytogenetic location: 8p11.23.
Variant type: Deletion.
Coding change: c.2036del on transcript NM_023110.3 (MANE Select); coding-DNA position 2036, one base deleted (A; older notation c.2036delA).
Protein change: p.His679fs; shifts the reading frame from histidine 679.
Molecular consequence: frameshift variant.
Genome position (GRCh38, 1-based): chr8:38,414,571, T deleted on the plus strand (A on the coding strand, the reverse complement: FGFR1 is on the minus strand). VCF-style (leftmost placement, unchanged base first): chr8-38414570-GT-G. GRCh37 (hg19) VCF-style: chr8-38272088-GT-G.
Other names: c.2036delA, p.His679Profs (NM_000604.2, NM_023110.2); c.2030del, p.His677fs (NM_001174063.2, NM_001174065.2, NM_001354367.2 and 1 more transcripts); c.2006del, p.His669fs (NM_001174064.2); c.1769del, p.His590fs (NM_001174066.2, NM_023105.3); c.2129del, p.His710fs (NM_001174067.2); c.1757del, p.His586fs (NM_001354368.2); c.2024del, p.His675fs (NM_001354369.2, NM_001410922.1); c.1763del, p.His588fs (NM_001354370.2, NM_023106.3); short protein forms H586fs, H588fs, H590fs, H669fs, H675fs, H677fs, H679fs, H710fs.
Identifiers: ClinVar variation 2505403 (VCV002505403.1), dbSNP rs2536804249, ClinGen allele CA2580614538.

ClinVar aggregate classification (germline): Pathogenic (1 of 4 stars; one submission).

Conditions:
Hypogonadotropic hypogonadism 2 with or without anosmia (HH2). Also called: FGFR1-Related GnRH Deficiency (Kallmann Syndrome 2); HYPOGONADOTROPIC HYPOGONADISM 2 WITHOUT ANOSMIA; HYPOGONADOTROPIC HYPOGONADISM 2 WITH OR WITHOUT ANOSMIA, SUSCEPTIBILITY TO; HYPOGONADOTROPIC HYPOGONADISM 2 WITHOUT ANOSMIA, SUSCEPTIBILITY TO. Identifiers: Orphanet 478, MedGen C1563720, MONDO:0007844, OMIM 147950. Disease mechanism: loss of function.

Submission:

Reproductive Endocrine Unit, Massachusetts General Hospital
Classification: Pathogenic for Hypogonadotropic hypogonadism 2 with or without anosmia. Last evaluated: 2023-05-04. Review status: criteria provided, single submitter. Criteria: ACMG Guidelines, 2015. Collection method: research. Allele origin: inherited. Affected: yes. Observed: 1 variant allele.
Comment: The variant NM_023110.2:c.2036del, p.(His679Profs*35) het has been classified as P1c based on the variant meeting the following ACMG Criteria: PVS1,PM2,PP1,PP3.